The following is an entry in ClinVar:

ClinVar aggregate classification (germline): Uncertain significance (1 of 4 stars; one submission).

Conditions:
Catecholaminergic polymorphic ventricular tachycardia (CVPT). Also called: Catecholamine-induced polymorphic ventricular tachycardia. Identifiers: Orphanet 3286, MedGen C5574922, MONDO:0017990.

Submission:

All of Us Research Program, National Institutes of Health
Classification: Uncertain significance for Catecholaminergic polymorphic ventricular tachycardia. Last evaluated: 2024-04-16. Review status: criteria provided, single submitter. Criteria: ACMG Guidelines, 2015. Collection method: clinical testing. Allele origin: germline. Inheritance: Autosomal dominant inheritance. Observed: 1 variant allele, 1 heterozygote.
Comment: This missense variant replaces threonine with proline at codon 2444 of the RYR2 protein. Computational prediction suggests that this variant may not impact protein structure and function (internally defined REVEL score threshold <= 0.5, PMID: 27666373). To our knowledge, functional studies have not been reported for this variant. This variant has not been reported in individuals affected with RYR2-related disorders in the literature. This variant has not been identified in the general population by the Genome Aggregation Database (gnomAD). The available evidence is insufficient to determine the role of this variant in disease conclusively. Therefore, this variant is classified as a Variant of Uncertain Significance.

This study involves interpretation of variants in research participants for the purpose of population health screening. Participant phenotype was not available at the time of variant classification. Additional details can be found in publication PMID: 35346344, PMCID: PMC8962531

NM_001035.3(RYR2):c.7330A>C (p.Thr2444Pro)

Gene: RYR2 (ryanodine receptor 2; plus strand). Cytogenetic location: 1q43.
Variant type: single nucleotide variant.
Coding change: c.7330A>C on transcript NM_001035.3 (MANE Select); coding-DNA position 7330, A replaced by C.
Protein change: p.Thr2444Pro; replaces threonine 2444 with proline.
Molecular consequence: missense variant.
Genome position (GRCh38, 1-based): chr1:237,643,435, A>C. VCF-style: chr1-237643435-A-C. GRCh37 (hg19) VCF-style: chr1-237806735-A-C.
Other names: short protein forms T2444P.
Identifiers: ClinVar variation 3385779 (VCV003385779.1).